The following is an entry in ClinVar:

NM_004204.5(PIGQ):c.1026G>A (p.Gln342=)

Gene: PIGQ (phosphatidylinositol glycan anchor biosynthesis class Q; plus strand). Cytogenetic location: 16p13.3.
Variant type: single nucleotide variant.
Coding change: c.1026G>A on transcript NM_004204.5 (MANE Select); coding-DNA position 1026, G replaced by A.
Protein change: p.Gln342=; no amino-acid change (glutamine 342 retained).
Molecular consequence: synonymous variant.
Genome position (GRCh38, 1-based): chr16:578,462, G>A. VCF-style: chr16-578462-G-A. GRCh37 (hg19) VCF-style: chr16-628462-G-A.
Other names: c.1026G>A, p.Gln342= (NM_148920.4).
Identifiers: ClinVar variation 2128161 (VCV002128161.4), dbSNP rs2035756639, ClinGen allele CA492811146.
Genomic context (GRCh38, chr16:578,462, plus strand): 5'-TCTGCTGCAGTGGCTGATGGGTGCTCCCGCCGGGCTCAAGATGAACCGTGCACTGGACCA[G>A]GTGCTGGGCCGCTTCTTCCTCTACCACATCCACCTGTGGATCAGTGAGTGCAGGGCAGGC-3'
Protein context (NP_004195.2, residues 332-352): AGLKMNRALD[Gln342=]VLGRFFLYHI

ClinVar aggregate classification (germline): Uncertain significance (1 of 4 stars; one submission).

Conditions:
Epilepsy. Also called: Seizure disorder. Identifiers: MedGen C0014544, MeSH D004827, MONDO:0005027.

Submission:

Labcorp Genetics (formerly Invitae), Labcorp
Classification: Uncertain significance for Epilepsy. Last evaluated: 2022-04-19. Review status: criteria provided, single submitter. Criteria: Invitae Variant Classification Sherloc (09022015). Collection method: clinical testing. Allele origin: germline.
Comment: This variant is not present in population databases (gnomAD no frequency). This sequence change affects codon 342 of the PIGQ mRNA. It is a 'silent' change, meaning that it does not change the encoded amino acid sequence of the PIGQ protein. In summary, the available evidence is currently insufficient to determine the role of this variant in disease. Therefore, it has been classified as a Variant of Uncertain Significance. Algorithms developed to predict the effect of sequence changes on RNA splicing suggest that this variant may disrupt the consensus splice site. This variant has not been reported in the literature in individuals affected with PIGQ-related conditions.